The following is an entry in ClinVar:

NM_022041.4(GAN):c.633+1G>A

Gene: GAN (gigaxonin; plus strand). Cytogenetic location: 16q23.2.
Variant type: single nucleotide variant.
Coding change: c.633+1G>A on transcript NM_022041.4 (MANE Select); the canonical splice donor site of the intron after coding-DNA position 633, G replaced by A.
Molecular consequence: splice donor variant.
Genome position (GRCh38, 1-based): chr16:81,354,756, G>A. VCF-style: chr16-81354756-G-A. GRCh37 (hg19) VCF-style: chr16-81388361-G-A.
Other names: c.-7+1G>A (NM_001377486.1).
Identifiers: ClinVar variation 873485 (VCV000873485.4), dbSNP rs1597401738, ClinGen allele CA396869562.
Genomic context (GRCh38, chr16:81,354,756, plus strand): 5'-GAAAGATATGTCTTTGAAGCAGTAATTCGATGGATAGCACATGATACAGAAATAAGAAAG[G>A]TACCTGTCATTTATAACATGGTCAAATTTGCCTTTTTATTTCTTTTTAATTCAAATTTTA-3'

ClinVar aggregate classification (germline): Likely pathogenic (1 of 4 stars; one submission).

Conditions:
Giant axonal neuropathy 1 (GAN1). Also called: GAN-Related Neurodegeneration; GIANT AXONAL NEUROPATHY 1, AUTOSOMAL RECESSIVE. Identifiers: Orphanet 643, MedGen C1850386, MONDO:0009749, OMIM 256850.

Submission:

Illumina Laboratory Services, Illumina
Classification: Likely pathogenic for Giant axonal neuropathy 1. Last evaluated: 2020-02-19. Review status: criteria provided, single submitter. Criteria: ICSLVariantClassificationCriteria RUGD 01 April 2020. Collection method: clinical testing. Allele origin: unknown.
Comment: The GAN c.633+1G>A variant occurs in a canonical splice site (donor) and is therefore predicted to disrupt or distort the normal gene product. A literature search was performed for the gene and cDNA change. No publications were found based on this search. Another variant that disrupts the same canonical splice site has been reported in a compound heterozygous state in one individual with giant axonal neuropathy (Koop et al. 2007). The c.633+1G>A variant is not found in the Genome Aggregation Database in a region of good sequencing coverage, indicating it is rare. Based on the predicted alteration of the gene product, the variant's rarity, and the identification of a similar variant in an affected individual, the c.633+1G>A variant is classified as likely pathogenic for giant axonal neuropathy.

Literature cited by the submitters: PubMed 17587580.